The following is an entry in ClinVar:

NC_000006.11:g.(?_65327301)_(65336148_?)del

Gene: EYS (eyes shut homolog; minus strand). Cytogenetic location: 6q12.
Variant type: Deletion.
Identifiers: ClinVar variation 2423838 (VCV002423838.4).

ClinVar aggregate classification (germline): Pathogenic (1 of 4 stars; one submission).

Submission:

Labcorp Genetics (formerly Invitae), Labcorp
Classification: Pathogenic. Last evaluated: 2022-04-09. Review status: criteria provided, single submitter. Criteria: Invitae Variant Classification Sherloc (09022015). Collection method: clinical testing. Allele origin: germline.
Comment: This variant is a gross deletion of the genomic region encompassing exon(s) 23-24 of the EYS gene. This deletion is out-of-frame, and is expected to create a premature termination codon and result in an absent or disrupted protein product. Loss-of-function variants in EYS are known to be pathogenic (PMID: 18836446, 20333770). This variant has not been reported in the literature in individuals affected with EYS-related conditions. For these reasons, this variant has been classified as Pathogenic.

Literature cited by the submitters: PubMed 18836446; PubMed 20333770.